The following is an entry in ClinVar:

NM_012275.3(IL36RN):c.80T>C (p.Leu27Pro)

Gene: IL36RN (interleukin 36 receptor antagonist; plus strand). Cytogenetic location: 2q14.1.
Variant type: single nucleotide variant.
Coding change: c.80T>C on transcript NM_012275.3 (MANE Select); coding-DNA position 80, T replaced by C.
Protein change: p.Leu27Pro; replaces leucine 27 with proline.
Molecular consequence: missense variant.
Genome position (GRCh38, 1-based): chr2:113,060,902, T>C. VCF-style: chr2-113060902-T-C. GRCh37 (hg19) VCF-style: chr2-113818479-T-C.
Other names: c.80T>C, p.Leu27Pro (NM_173170.1); short protein forms L27P.
Identifiers: ClinVar variation 30489 (VCV000030489.51), dbSNP rs387906914, ClinGen allele CA129266.

ClinVar aggregate classification (germline): Pathogenic. Review status: criteria provided, multiple submitters, no conflicts (2 of 4 stars). 4 submissions from 4 submitters: Pathogenic (3). 1 of the submissions does not count toward it. Last evaluated 2025-11-10.

Conditions:
IL36RN-related disorders.
Acrodermatitis continua suppurativa of Hallopeau (PSORS14). Also called: Psoriasis 14, pustular; INTERLEUKIN 36 RECEPTOR ANTAGONIST DEFICIENCY; ACRODERMATITIS CONTINUA OF HALLOPEAU. Identifiers: Orphanet 163931, MedGen C0392439, MONDO:0013626, OMIM 614204.
Generalized pustular psoriasis. Identifiers: Orphanet 247353, MedGen C0343055, MONDO:0100491.

Allele frequency attached by ClinVar (database versions not stated): gnomAD 0.00002; gnomAD exomes 0.00010 and 0.00022; TOPMed 0.00012; ExAC 0.00027.
gnomAD v4.1: 69 of 1,614,008 alleles (0.0043%); highest among the groups gnomAD compares: Admixed American, 0.098%; 1 homozygote.

Submissions (4):

Labcorp Genetics (formerly Invitae), Labcorp
Classification: Pathogenic for Generalized pustular psoriasis. Last evaluated: 2025-11-10. Review status: criteria provided, single submitter. Criteria: Invitae Variant Classification Sherloc (09022015). Collection method: clinical testing. Allele origin: germline.
Comment: This sequence change replaces leucine, which is neutral and non-polar, with proline, which is neutral and non-polar, at codon 27 of the IL36RN protein (p.Leu27Pro). This variant is present in population databases (rs387906914, gnomAD 0.1%). This missense change has been observed in individual(s) with deficiency of interleukin-36 receptor antagonist (DITRA) and generalized pustular psoriasis (PMID: 21848462, 24019411, 29892664). It has also been observed to segregate with disease in related individuals. ClinVar contains an entry for this variant (Variation ID: 30489). An algorithm developed to predict the effect of missense changes on protein structure and function (PolyPhen-2) suggests that this variant is likely to be disruptive. Experimental studies have shown that this missense change affects IL36RN function (PMID: 21848462, 27220475). For these reasons, this variant has been classified as Pathogenic.

Blueprint Genetics
Classification: Pathogenic for IL36RN-related disorders. Last evaluated: 2024-08-27. Review status: criteria provided, single submitter. Criteria: ACMG Guidelines, 2015. Collection method: clinical testing. Allele origin: germline. Affected: yes. Observed: 3 variant alleles.

CeGaT Center for Human Genetics Tuebingen
Classification: Pathogenic. Last evaluated: 2017-03-01. Review status: criteria provided, single submitter. Criteria: CeGaT Center For Human Genetics Tuebingen Variant Classification Criteria Version 2. Collection method: clinical testing. Allele origin: germline. Affected: yes. Observed: 1 variant allele.

OMIM
Classification: Pathogenic for PSORIASIS 14, PUSTULAR. Last evaluated: 2011-08-18. Review status: no assertion criteria provided. Collection method: literature only. Allele origin: germline. Not counted in ClinVar's aggregate classification.

Literature cited by the submitters: PubMed 21848462 (cited by Labcorp Genetics (formerly Invitae), Labcorp and OMIM); PubMed 24019411 (cited by Labcorp Genetics (formerly Invitae), Labcorp); PubMed 29892664 (cited by Labcorp Genetics (formerly Invitae), Labcorp); PubMed 27220475 (cited by Labcorp Genetics (formerly Invitae), Labcorp).